The following is an entry in ClinVar:

ClinVar aggregate classification (germline): Uncertain significance. Review status: criteria provided, multiple submitters, no conflicts (2 of 4 stars). 2 submissions from 2 submitters: Uncertain significance (2). Last evaluated 2023-01-26.

Conditions:
Fucosidosis. Also called: ALPHA-L-FUCOSIDASE DEFICIENCY. Identifiers: Orphanet 349, MedGen C0016788, MONDO:0009254, OMIM 230000.

Allele frequency attached by ClinVar (database versions not stated): gnomAD exomes 0.00001; ExAC 0.00002; TOPMed 0.00002; gnomAD 0.00003 and 0.00004.

Submissions (2):

Mayo Clinic Laboratories, Mayo Clinic
Classification: Uncertain significance. Last evaluated: 2023-01-26. Review status: criteria provided, single submitter. Criteria: ACMG Guidelines, 2015. Collection method: clinical testing. Allele origin: germline. Observed: 1 variant allele.
Comment: PM2

Labcorp Genetics (formerly Invitae), Labcorp
Classification: Uncertain significance for Fucosidosis. Last evaluated: 2022-08-28. Review status: criteria provided, single submitter. Criteria: Invitae Variant Classification Sherloc (09022015). Collection method: clinical testing. Allele origin: germline.
Comment: This sequence change replaces arginine, which is basic and polar, with tryptophan, which is neutral and slightly polar, at codon 173 of the FUCA1 protein (p.Arg173Trp). This variant is present in population databases (rs768069468, gnomAD 0.002%). This variant has not been reported in the literature in individuals affected with FUCA1-related conditions. ClinVar contains an entry for this variant (Variation ID: 1415412). Algorithms developed to predict the effect of missense changes on protein structure and function are either unavailable or do not agree on the potential impact of this missense change (SIFT: "Deleterious"; PolyPhen-2: "Probably Damaging"; Align-GVGD: "Class C15"). In summary, the available evidence is currently insufficient to determine the role of this variant in disease. Therefore, it has been classified as a Variant of Uncertain Significance.

NM_000147.5(FUCA1):c.517C>T (p.Arg173Trp)

Genes: FUCA1 (alpha-L-fucosidase 1; minus strand), LOC126805661 (BRD4-independent group 4 enhancer GRCh37_chr1:24191742-24192941; plus strand). Cytogenetic location: 1p36.11.
Variant type: single nucleotide variant.
Coding change: c.517C>T on transcript NM_000147.5 (MANE Select); coding-DNA position 517, C replaced by T.
Protein change: p.Arg173Trp; replaces arginine 173 with tryptophan.
Molecular consequence: missense variant.
Genome position (GRCh38, 1-based): chr1:23,865,498, G>A on the plus strand (C>T on the coding strand, the complement: FUCA1 is on the minus strand). VCF-style: chr1-23865498-G-A. GRCh37 (hg19) VCF-style: chr1-24191988-G-A.
Other names: p.Arg173Trp; c.517C>T (NM_000147.4); short protein forms R173W.
Identifiers: ClinVar variation 1415412 (VCV001415412.4), dbSNP rs768069468, ClinGen allele CA686528.